The following is an entry in ClinVar:

ClinVar aggregate classification (germline): Uncertain significance (1 of 4 stars; one submission).

Conditions:
Familial thoracic aortic aneurysm and aortic dissection (TAAD). Also called: Thoracic aortic aneurysms and dissections. Identifiers: Orphanet 91387, MedGen C4707243, MONDO:0019625.

gnomAD v4.1: 1 of 1,612,320 alleles (0.000062%); highest among the groups gnomAD compares: Non-Finnish European, 0.000085%; no homozygotes.

Submission:

Ambry Genetics
Classification: Uncertain significance for Familial thoracic aortic aneurysm and aortic dissection. Last evaluated: 2017-12-21. Review status: criteria provided, single submitter. Criteria: Ambry Variant Classification Scheme 2023. Collection method: clinical testing. Allele origin: germline.
Comment: The p.I113V variant (also known as c.337A>G), located in coding exon 2 of the PRKG1 gene, results from an A to G substitution at nucleotide position 337. The isoleucine at codon 113 is replaced by valine, an amino acid with highly similar properties. This amino acid position is highly conserved in available vertebrate species. In addition, the in silico prediction for this alteration is inconclusive. Since supporting evidence is limited at this time, the clinical significance of this alteration remains unclear.

NM_006258.4(PRKG1):c.337A>G (p.Ile113Val)

Gene: PRKG1 (protein kinase cGMP-dependent 1; plus strand). Cytogenetic location: 10q21.1.
Variant type: single nucleotide variant.
Coding change: c.337A>G on transcript NM_006258.4 (MANE Select); coding-DNA position 337, A replaced by G.
Protein change: p.Ile113Val; replaces isoleucine 113 with valine.
Molecular consequence: missense variant.
Genome position (GRCh38, 1-based): chr10:51,153,189, A>G. VCF-style: chr10-51153189-A-G. GRCh37 (hg19) VCF-style: chr10-52912949-A-G.
Other names: c.292A>G, p.Ile98Val (LRG_1135t2, NM_001098512.3); c.337A>G, p.Ile113Val (LRG_1135t1); short protein forms I113V, I98V.
Identifiers: ClinVar variation 520147 (VCV000520147.5), dbSNP rs1554841032, ClinGen allele CA376827316.